The following is an entry in ClinVar:

ClinVar aggregate classification (germline): Pathogenic (1 of 4 stars; one submission).

Conditions:
Inborn genetic diseases. Identifiers: MedGen C0950123, MeSH D030342.

Submission:

Ambry Genetics
Classification: Pathogenic for Inborn genetic diseases. Last evaluated: 2023-02-22. Review status: criteria provided, single submitter. Criteria: Ambry Variant Classification Scheme 2023. Collection method: clinical testing. Allele origin: germline.
Comment: The c.1959delT (p.E654Sfs*78) alteration, located in exon 3 (coding exon 3) of the CDK13 gene, consists of a deletion of one nucleotide at position 1959, causing a translational frameshift with a predicted alternate stop codon after 78 amino acids. This alteration is expected to result in loss of function by premature protein truncation or nonsense-mediated mRNA decay. This variant was not reported in population-based cohorts in the Genome Aggregation Database (gnomAD). Based on the available evidence, this alteration is classified as pathogenic.

NM_003718.5(CDK13):c.1959del (p.Glu654fs)

Gene: CDK13 (cyclin dependent kinase 13; plus strand). Cytogenetic location: 7p14.1.
Variant type: Deletion.
Coding change: c.1959del on transcript NM_003718.5 (MANE Select); coding-DNA position 1959, one base deleted (T; older notation c.1959delT).
Protein change: p.Glu654fs; shifts the reading frame from glutamic acid 654.
Molecular consequence: frameshift variant.
Genome position (GRCh38, 1-based): chr7:39,997,581, T deleted. VCF-style (leftmost placement, unchanged base first): chr7-39997580-CT-C. GRCh37 (hg19) VCF-style: chr7-40037179-CT-C.
Other names: c.1959delT, p.Glu654Serfs (NM_031267.4); short protein forms E654fs.
Identifiers: ClinVar variation 2474613 (VCV002474613.2), dbSNP rs2483771746, ClinGen allele CA2580077092.